The following is an entry in ClinVar:

NM_001012720.2(RGR):c.854G>A (p.Arg285Lys)

Gene: RGR (retinal G protein coupled receptor; plus strand). Cytogenetic location: 10q23.1.
Variant type: single nucleotide variant.
Coding change: c.854G>A on transcript NM_001012720.2 (MANE Select); coding-DNA position 854, G replaced by A.
Protein change: p.Arg285Lys; replaces arginine 285 with lysine.
Molecular consequence: missense variant.
Genome position (GRCh38, 1-based): chr10:84,258,617, G>A. VCF-style: chr10-84258617-G-A. GRCh37 (hg19) VCF-style: chr10-86018373-G-A.
Other names: c.740G>A, p.Arg247Lys (NM_001012722.2); c.866G>A, p.Arg289Lys (NM_002921.4); short protein forms R247K, R285K, R289K.
Identifiers: ClinVar variation 4779321 (VCV004779321.1).

ClinVar aggregate classification (germline): Uncertain significance (1 of 4 stars; one submission).

Submission:

Labcorp Genetics (formerly Invitae), Labcorp
Classification: Uncertain significance. Last evaluated: 2025-04-07. Review status: criteria provided, single submitter. Criteria: Invitae Variant Classification Sherloc (09022015). Collection method: clinical testing. Allele origin: germline.
Comment: This sequence change replaces arginine, which is basic and polar, with lysine, which is basic and polar, at codon 285 of the RGR protein (p.Arg285Lys). This variant is present in population databases (no rsID available, gnomAD 0.006%). This variant has not been reported in the literature in individuals affected with RGR-related conditions. Experimental studies and prediction algorithms are not available or were not evaluated, and the functional significance of this variant is currently unknown. In summary, the available evidence is currently insufficient to determine the role of this variant in disease. Therefore, it has been classified as a Variant of Uncertain Significance.